The following is an entry in ClinVar:

ClinVar aggregate classification (germline): Uncertain significance (1 of 4 stars; one submission).

Conditions:
Neurodevelopmental disorder. Identifiers: MedGen C1535926, MeSH D065886, MONDO:0700092.

Allele frequency attached by ClinVar (database versions not stated): ExAC 0.00001; gnomAD 0.00002; TOPMed 0.00002.
gnomAD v4.1: 8 of 1,613,942 alleles (0.0005%); highest among the groups gnomAD compares: African/African-American, 0.004%; no homozygotes.

Submission:

Broad Center for Mendelian Genomics, Broad Institute of MIT and Harvard
Classification: Uncertain significance for Neurodevelopmental disorder. Last evaluated: 2024-03-12. Review status: criteria provided, single submitter. Criteria: ACMG Guidelines, 2015. Collection method: curation. Allele origin: germline. Inheritance: Autosomal dominant inheritance.
Comment: The p.Ala426Glu variant in TUBA3E has not been reported in individuals with neurodevelopmental disease but has been identified in 0.002% (2/113742) of European (non-Finnish) chromosomes by the Genome Aggregation Database (gnomAD; dbSNP ID: rs769423615). Although this variant has been seen in the general population in a heterozygous state, its frequency is low enough to be consistent with a recessive carrier frequency. Computational prediction tools and conservation analyses do not provide strong support for or against an impact to the protein. In summary, the clinical significance of the p.Ala426Glu variant is uncertain. ACMG/AMP Criteria applied: PM2_Supporting (Richards 2015).

Literature cited by the submitters: PubMed 39033378.

NM_207312.3(TUBA3E):c.1277C>A (p.Ala426Glu)

Genes: MZT2B (mitotic spindle organizing protein 2B; plus strand), TUBA3E (tubulin alpha 3e; minus strand). Cytogenetic location: 2q21.1.
Variant type: single nucleotide variant.
Coding change: c.1277C>A on transcript NM_207312.3 (MANE Select); coding-DNA position 1277, C replaced by A.
Protein change: p.Ala426Glu; replaces alanine 426 with glutamic acid.
Molecular consequence: missense variant.
Genome position (GRCh38, 1-based): chr2:130,191,907, G>T on the plus strand (C>A on the coding strand, the complement: TUBA3E is on the minus strand). VCF-style: chr2-130191907-G-T. GRCh37 (hg19) VCF-style: chr2-130949480-G-T.
Other names: NM_207312.3:c.1277C>A; short protein forms A426E.
Identifiers: ClinVar variation 3061818 (VCV003061818.1), dbSNP rs769423615, ClinGen allele CA1870723.